The following is an entry in ClinVar:

NM_199340.5(LRRC37A3):c.3859del (p.Ala1287fs)

Gene: LRRC37A3 (leucine rich repeat containing 37 member A3). Cytogenetic location: 17q24.1.
Variant type: Deletion.
Coding change: c.3859del on transcript NM_199340.5 (MANE Select); coding-DNA position 3859, one base deleted.
Protein change: p.Ala1287fs; shifts the reading frame from alanine 1287.
Molecular consequence: frameshift variant.
Genome position: GRCh38 VCF-style: chr17-64860286-GC-G. GRCh37 (hg19) VCF-style: chr17-62856404-GC-G.
Other names: c.1213del, p.Ala405fs (NM_001303255.3); short protein forms A405fs, A1287fs.
Identifiers: ClinVar variation 161856 (VCV000161856.2), dbSNP rs193920919, ClinGen allele CA174917.

ClinVar aggregate classification (germline): Uncertain significance (0 of 4 stars; one submission).

Conditions:
Prostate cancer. Also called: Malignant tumor of prostate. Identifiers: Orphanet 1331, MedGen C0376358, MONDO:0008315, HP:0012125.

Submission:

Science for Life laboratory,  Karolinska Institutet
Classification: Uncertain significance for Malignant tumor of prostate. Review status: no assertion criteria provided. Collection method: not provided. Allele origin: somatic.
Comment: TumorID:SWE-19
ClinVar note: Converted during submission from Unknown to Uncertain significance.